The following is an entry in ClinVar:

ClinVar aggregate classification (germline): Conflicting classifications of pathogenicity. Review status: criteria provided, conflicting classifications (1 of 4 stars). 4 submissions from 4 submitters: Uncertain significance (3); Likely benign (1). Last evaluated 2025-09-09.

Conditions:
Hereditary cancer-predisposing syndrome. Also called: Neoplastic Syndromes, Hereditary; Tumor predisposition; Hereditary Cancer Syndrome; Hereditary neoplastic syndrome. Identifiers: Orphanet 140162, MedGen C0027672, MeSH D009386, MONDO:0015356.
Familial adenomatous polyposis 2. Also called: Adenomas, multiple colorectal; MUTYH Polyposis; COLORECTAL ADENOMATOUS POLYPOSIS, AUTOSOMAL RECESSIVE; ADENOMAS, MULTIPLE COLORECTAL, AUTOSOMAL RECESSIVE; MUTYH-associated polyposis; MUTYH-related attenuated familial adenomatous polyposis. Identifiers: Orphanet 220460, Orphanet 247798, MedGen C3272841, MONDO:0012041, OMIM 608456.

Submissions (4):

Ambry Genetics
Classification: Likely benign for Hereditary cancer-predisposing syndrome. Last evaluated: 2025-09-09. Review status: criteria provided, single submitter. Criteria: Ambry Variant Classification Scheme 2023. Collection method: clinical testing. Allele origin: germline.

Color Diagnostics, LLC DBA Color Health
Classification: Uncertain significance for Hereditary cancer-predisposing syndrome. Last evaluated: 2024-03-06. Review status: criteria provided, single submitter. Criteria: ACMG Guidelines, 2015. Collection method: clinical testing. Allele origin: germline.
Comment: This missense variant replaces alanine with proline at codon 385 of the MUTYH protein. Computational prediction suggests that this variant may not impact protein structure and function (internally defined REVEL score threshold <= 0.5, PMID: 27666373). To our knowledge, functional studies have not been reported for this variant. This variant has not been reported in individuals affected with MUTYH-related disorders in the literature. This variant has not been identified in the general population by the Genome Aggregation Database (gnomAD). The available evidence is insufficient to determine the role of this variant in disease conclusively. Therefore, this variant is classified as a Variant of Uncertain Significance.

All of Us Research Program, National Institutes of Health
Classification: Uncertain significance for Familial adenomatous polyposis 2. Last evaluated: 2023-08-15. Review status: criteria provided, single submitter. Criteria: ACMG Guidelines, 2015. Collection method: clinical testing. Allele origin: germline. Inheritance: Autosomal recessive inheritance. Observed: 1 variant allele, 1 heterozygote.
Comment: This missense variant replaces alanine with proline at codon 385 of the MUTYH protein. Computational prediction suggests that this variant may not impact protein structure and function (internally defined REVEL score threshold <= 0.5, PMID: 27666373). To our knowledge, functional studies have not been reported for this variant. This variant has not been reported in individuals affected with MUTYH-related disorders in the literature. This variant has not been identified in the general population by the Genome Aggregation Database (gnomAD). The available evidence is insufficient to determine the role of this variant in disease conclusively. Therefore, this variant is classified as a Variant of Uncertain Significance.

This study involves interpretation of variants in research participants for the purpose of population health screening. Participant phenotype was not available at the time of variant classification. Additional details can be found in publication PMID: 35346344, PMCID: PMC8962531

Labcorp Genetics (formerly Invitae), Labcorp
Classification: Uncertain significance for Familial adenomatous polyposis 2. Last evaluated: 2022-01-19. Review status: criteria provided, single submitter. Criteria: Invitae Variant Classification Sherloc (09022015). Collection method: clinical testing. Allele origin: germline.
Comment: In summary, the available evidence is currently insufficient to determine the role of this variant in disease. Therefore, it has been classified as a Variant of Uncertain Significance. Algorithms developed to predict the effect of missense changes on protein structure and function (SIFT, PolyPhen-2, Align-GVGD) all suggest that this variant is likely to be tolerated. ClinVar contains an entry for this variant (Variation ID: 921363). This variant has not been reported in the literature in individuals affected with MUTYH-related conditions. This variant is not present in population databases (gnomAD no frequency). This sequence change replaces alanine, which is neutral and non-polar, with proline, which is neutral and non-polar, at codon 385 of the MUTYH protein (p.Ala385Pro).

Literature cited by the submitters: PubMed 40738107 (cited by Ambry Genetics).

NM_001048174.2(MUTYH):c.1069G>C (p.Ala357Pro)

Gene: MUTYH (mutY DNA glycosylase; minus strand). Cytogenetic location: 1p34.1.
Variant type: single nucleotide variant.
Coding change: c.1069G>C on transcript NM_001048174.2 (MANE Select); coding-DNA position 1069, G replaced by C.
Protein change: p.Ala357Pro; replaces alanine 357 with proline.
Molecular consequence: missense variant. On other transcripts: non-coding transcript variant (2).
Genome position (GRCh38, 1-based): chr1:45,331,694, C>G on the plus strand (G>C on the coding strand, the complement: MUTYH is on the minus strand). VCF-style: chr1-45331694-C-G. GRCh37 (hg19) VCF-style: chr1-45797366-C-G.
Other names: c.1069G>C, p.Ala357Pro (NM_001048171.2, NM_001048173.2, NM_001293195.2); c.1072G>C, p.Ala358Pro (NM_001048172.2); c.1153G>C, p.Ala385Pro (NM_001128425.2); c.1114G>C, p.Ala372Pro (NM_001293190.2); c.1102G>C, p.Ala368Pro (NM_001293191.2); c.793G>C, p.Ala265Pro (NM_001293192.2, NM_001293196.2); c.724G>C, p.Ala242Pro (NM_001350650.2, NM_001350651.2); c.1144G>C, p.Ala382Pro (NM_012222.3); short protein forms A358P, A382P, A242P, A265P, A357P, A372P, A368P, A385P.
Identifiers: ClinVar variation 921363 (VCV000921363.13), dbSNP rs876659232, ClinGen allele CA340133374.